The following is an entry in ClinVar:

NM_000987.5(RPL26):c.255G>A (p.Val85=)

Gene: RPL26 (ribosomal protein L26; minus strand). Cytogenetic location: 17p13.1.
Variant type: single nucleotide variant.
Coding change: c.255G>A on transcript NM_000987.5 (MANE Select); coding-DNA position 255, G replaced by A.
Protein change: p.Val85=; no amino-acid change (valine 85 retained).
Molecular consequence: synonymous variant.
Genome position (GRCh38, 1-based): chr17:8,379,850, C>T on the plus strand (G>A on the coding strand, the complement: RPL26 is on the minus strand). VCF-style: chr17-8379850-C-T. GRCh37 (hg19) VCF-style: chr17-8283168-C-T.
Other names: c.255G>A, p.Val85= (NM_001315530.2, NM_001315531.2).
Identifiers: ClinVar variation 701695 (VCV000701695.14), dbSNP rs758125897, ClinGen allele CA287569617.
Genomic context (GRCh38, chr17:8,379,850, plus strand): 5'-ACCTACCTTGCTGGGGTGAATGCCTACGTGGACAGTTGTGCCATTAGCCTTTTCCCGCTG[C>T]ACCCGTTCAATGTAGATAACATATTTCTTCCTGTAAACCTGGACTACTTTGCCAATTTGC-3'
Protein context (NP_000978.1, residues 75-95): RKKYVIYIER[Val85=]QREKANGTTV

ClinVar aggregate classification (germline): Likely benign. Review status: criteria provided, multiple submitters, no conflicts (2 of 4 stars). 3 submissions from 3 submitters: Likely benign (3). Last evaluated 2025-12-31.

Conditions:
RPL26-related disorder. Also called: RPL26-related condition.
Diamond-Blackfan anemia. Also called: Blackfan Diamond syndrome; Aregenerative anemia chronic congenital; Red cell aplasia, pure hereditary; Congenital hypoplastic anemia; Aase syndrome. Identifiers: Orphanet 124, MedGen C1260899, MeSH D029503, MONDO:0015253, HP:0004810.

Allele frequency attached by ClinVar (database versions not stated): gnomAD 0.00001; TOPMed 0.00001.
gnomAD v4.1: 10 of 1,613,746 alleles (0.00062%); highest among the groups gnomAD compares: East Asian, 0.0067%; no homozygotes.

Submissions (3):

Labcorp Genetics (formerly Invitae), Labcorp
Classification: Likely benign for Diamond-Blackfan anemia. Last evaluated: 2025-12-31. Review status: criteria provided, single submitter. Criteria: Invitae Variant Classification Sherloc (09022015). Collection method: clinical testing. Allele origin: germline.

PreventionGenetics, part of Exact Sciences
Classification: Likely benign for RPL26-related condition. Last evaluated: 2025-01-21. Review status: criteria provided, single submitter. Criteria: ACMG Guidelines, 2015. Collection method: clinical testing. Allele origin: germline.
Comment: This variant is classified as likely benign based on ACMG/AMP sequence variant interpretation guidelines (Richards et al. 2015 PMID: 25741868, with internal and published modifications).

Ambry Genetics
Classification: Likely benign for Diamond-Blackfan anemia. Last evaluated: 2019-09-13. Review status: criteria provided, single submitter. Criteria: Ambry Variant Classification Scheme 2023. Collection method: clinical testing. Allele origin: germline.